The following is an entry in ClinVar:

NM_007294.4(BRCA1):c.3346G>C (p.Val1116Leu)

Genes: BRCA1 (BRCA1 DNA repair associated; minus strand), LOC126862571 (BRD4-independent group 4 enhancer GRCh37_chr17:41243136-41244335; plus strand). Cytogenetic location: 17q21.31.
Variant type: single nucleotide variant.
Coding change: c.3346G>C on transcript NM_007294.4 (MANE Select); coding-DNA position 3346, G replaced by C.
Protein change: p.Val1116Leu; replaces valine 1116 with leucine.
Molecular consequence: missense variant. On other transcripts: intron variant (137).
Genome position (GRCh38, 1-based): chr17:43,092,185, C>G on the plus strand (G>C on the coding strand, the complement: BRCA1 is on the minus strand). VCF-style: chr17-43092185-C-G. GRCh37 (hg19) VCF-style: chr17-41244202-C-G.
Other names: c.3082G>C, p.Val1028Leu (NM_001407926.1, NM_001407927.1, NM_001407928.1 and 9 more transcripts); c.3079G>C, p.Val1027Leu (NM_001407930.1, NM_001407931.1, NM_001407932.1 and 2 more transcripts); c.3223G>C, p.Val1075Leu (NM_001407937.1, NM_001407938.1, NM_001407939.1 and 19 more transcripts); c.3220G>C, p.Val1074Leu (NM_001407940.1, NM_001407941.1, NM_001407649.1 and 11 more transcripts); c.3205G>C, p.Val1069Leu (NM_001407942.1, NM_001407944.1, NM_001407945.1 and 29 more transcripts); c.3202G>C, p.Val1068Leu (NM_001407943.1, NM_001407964.1, NM_001407740.1 and 20 more transcripts); c.3013G>C, p.Val1005Leu (NM_001407946.1, NM_001407947.1, NM_001407948.1 and 6 more transcripts); c.3010G>C, p.Val1004Leu (NM_001407954.1, NM_001407955.1, NM_001407956.1 and 1 more transcripts); and 41 more; short protein forms V1116L, V1069L, V1045L, V1115L, V820L, V989L, V1005L, V1075L.
Identifiers: ClinVar variation 54853 (VCV000054853.32), dbSNP rs55909400, ClinGen allele CA002167.

ClinVar aggregate classification (germline): Conflicting classifications of pathogenicity. Review status: criteria provided, conflicting classifications (1 of 4 stars). 12 submissions from 12 submitters: Uncertain significance (8); Benign (1); Likely benign (2). 1 of the submissions does not count toward it. Last evaluated 2025-12-24.

Conditions:
BRCA1-related disorder. Also called: BRCA1-related condition.
Hereditary cancer-predisposing syndrome. Also called: Tumor predisposition; Neoplastic Syndromes, Hereditary; Hereditary Cancer Syndrome; Hereditary neoplastic syndrome. Identifiers: Orphanet 140162, MedGen C0027672, MeSH D009386, MONDO:0015356.
Hereditary breast ovarian cancer syndrome. Also called: Hereditary breast and ovarian cancer syndrome (HBOC); Hereditary breast and ovarian cancer syndrome; Hereditary breast and ovarian cancer; Hereditary breast and/or ovarian cancer syndrome; Breast and ovarian cancer; BRCA1- and BRCA2-Associated Hereditary Breast and Ovarian Cancer. Identifiers: Orphanet 145, MedGen C0677776, MeSH D061325, MONDO:0003582. Disease mechanism: loss of function.
Breast-ovarian cancer, familial, susceptibility to, 1 (BROVCA1). Also called: OVARIAN CANCER, SUSCEPTIBILITY TO; BRCA1 Hereditary Breast and Ovarian Cancer. Identifiers: Orphanet 145, MedGen C2676676, MONDO:0011450, OMIM 604370. Disease mechanism: loss of function.

Allele frequency attached by ClinVar (database versions not stated): gnomAD exomes below 0.00001 and 0.00002; ExAC 0.00002; TOPMed 0.00005; gnomAD 0.00006; ESP Exome Variant Server 0.00008.
gnomAD v4.1: 14 of 1,612,984 alleles (0.00087%); highest among the groups gnomAD compares: African/African-American, 0.016%; no homozygotes.

Submissions (12):

Labcorp Genetics (formerly Invitae), Labcorp
Classification: Uncertain significance for Hereditary breast ovarian cancer syndrome. Last evaluated: 2025-12-24. Review status: criteria provided, single submitter. Criteria: Invitae Variant Classification Sherloc (09022015). Collection method: clinical testing. Allele origin: germline.
Comment: This sequence change replaces valine, which is neutral and non-polar, with leucine, which is neutral and non-polar, at codon 1116 of the BRCA1 protein (p.Val1116Leu). This variant is present in population databases (rs55909400, gnomAD 0.02%). This missense change has been observed in individual(s) with breast cancer (PMID: 15726418). ClinVar contains an entry for this variant (Variation ID: 54853). Invitae Evidence Modeling of protein sequence and biophysical properties (such as structural, functional, and spatial information, amino acid conservation, physicochemical variation, residue mobility, and thermodynamic stability) indicates that this missense variant is not expected to disrupt BRCA1 protein function with a negative predictive value of 80%. In summary, the available evidence is currently insufficient to determine the role of this variant in disease. Therefore, it has been classified as a Variant of Uncertain Significance.

Myriad Genetics, Inc.
Classification: Benign for Breast-ovarian cancer, familial, susceptibility to, 1. Last evaluated: 2024-09-19. Review status: criteria provided, single submitter. Criteria: Myriad Autosomal Dominant, Autosomal Recessive and X-Linked Classification Criteria (2023). Collection method: clinical testing. Allele origin: unknown.
Comment: This variant is considered benign. This variant is strongly associated with less severe personal and family histories of cancer, typical for individuals without pathogenic variants in this gene [PMID: 25085752]. This variant been observed in trans with a known pathogenic variant in one or more individuals. Compound heterozygosity for pathogenic variants in this gene is generally assumed to result in embryonic lethality.

Quest Diagnostics Nichols Institute San Juan Capistrano
Classification: Uncertain significance. Last evaluated: 2024-01-16. Review status: criteria provided, single submitter. Criteria: Quest Diagnostics criteria. Collection method: clinical testing. Allele origin: unknown.
Comment: The BRCA1 c.3346G>C (p.Val1116Leu) variant has been reported in the published literature in individuals with breast and/or ovarian cancer (PMIDs: 15726418 (2005), 16267036 (2005)). This variant has also been reported to be located in a region of the BRCA1 gene that is tolerant to missense changes (PMID: 31911673 (2020)). The frequency of this variant in the general population, 0.00016 (4/24796 chromosomes (Genome Aggregation Database)), is uninformative in the assessment of its pathogenicity. Analysis of this variant using bioinformatics tools for the prediction of the effect of amino acid changes on protein structure and function yielded predictions that this variant is benign. Based on the available information, we are unable to determine the clinical significance of this variant.

GeneDx
Classification: Uncertain significance. Last evaluated: 2023-09-12. Review status: criteria provided, single submitter. Criteria: GeneDx Variant Classification Process June 2021. Collection method: clinical testing. Allele origin: germline. Affected: yes.
Comment: In silico analysis supports that this missense variant does not alter protein structure/function; Observed in individuals with breast cancer (McKean-Cowdin et al., 2005); Also known as 3465G>C; This variant is associated with the following publications: (PMID: 16267036, 15726418, 29884841, 15385441, 32377563)

St. Jude Molecular Pathology, St. Jude Children's Research Hospital
Classification: Uncertain significance for Breast-ovarian cancer, familial, susceptibility to, 1. Last evaluated: 2023-06-15. Review status: criteria provided, single submitter. Criteria: St. Jude Assertion Criteria 2020. Collection method: clinical testing. Allele origin: germline.
Comment: The BRCA1 c.3346G>C (p.Val1116Leu) missense change has a maximum subpopulation frequency of 0.016% in gnomAD v2.1.1. The in silico tool REVEL predicts a benign effect on protein function, but to our knowledge this prediction has not been confirmed by functional studies. This variant has been reported in at least one individual with breast cancer (PMID: 15726418). In addition, one individual with this variant was reported in a database of women older than 70 years of age who have never had cancer (FLOSSIES). In summary, the evidence currently available is insufficient to determine the clinical significance of this variant. It has therefore been classified as of uncertain significance.

PreventionGenetics, part of Exact Sciences
Classification: Uncertain significance for BRCA1-related condition. Last evaluated: 2023-06-09. Review status: criteria provided, single submitter. Criteria: ACMG Guidelines, 2015. Collection method: clinical testing. Allele origin: germline.
Comment: The BRCA1 c.3346G>C variant is predicted to result in the amino acid substitution p.Val1116Leu. This variant was reported in an individual with breast and/or ovarian cancer (Figure 1 in McKean-Cowdin et al. 2005. PubMed ID: 15726418). This variant is reported in 0.016% of alleles in individuals of African descent in gnomAD and has conflicting interpretations in ClinVar regarding its pathogenicity, ranging from uncertain significance to likely benign. At this time, the clinical significance of this variant is uncertain due to the absence of conclusive functional and genetic evidence.

All of Us Research Program, National Institutes of Health
Classification: Uncertain significance for Breast-ovarian cancer, familial, susceptibility to, 1. Last evaluated: 2023-04-03. Review status: criteria provided, single submitter. Criteria: ACMG Guidelines, 2015. Collection method: clinical testing. Allele origin: germline. Inheritance: Autosomal dominant inheritance. Observed: 1 variant allele, 1 heterozygote.
Comment: This missense variant replaces valine with leucine at codon 1116 of the BRCA1 protein. Computational prediction suggests that this variant may not impact protein structure and function (internally defined REVEL score threshold <= 0.5, PMID: 27666373). To our knowledge, functional studies have not been reported for this variant. This variant has been reported in an individual affected with breast cancer (PMID: 15726418). This variant has been identified in 6/281642 chromosomes in the general population by the Genome Aggregation Database (gnomAD). The available evidence is insufficient to determine the role of this variant in disease conclusively. Therefore, this variant is classified as a Variant of Uncertain Significance.

This study involves interpretation of variants in research participants for the purpose of population health screening. Participant phenotype was not available at the time of variant classification. Additional details can be found in publication PMID: 35346344, PMCID: PMC8962531

University of Washington Department of Laboratory Medicine, University of Washington
Classification: Likely benign for Hereditary cancer-predisposing syndrome. Last evaluated: 2023-03-23. Review status: criteria provided, single submitter. Criteria: Dines et al. (Genet Med. 2020). Collection method: curation. Allele origin: germline.
Comment: Missense variant in a coldspot region where missense variants are very unlikely to be pathogenic (PMID:31911673).

BRCA1 coldspot (exon 11 using historical exon numbering). Reclassification based on statistical prior probability

Color Diagnostics, LLC DBA Color Health
Classification: Uncertain significance for Hereditary cancer-predisposing syndrome. Last evaluated: 2021-09-09. Review status: criteria provided, single submitter. Criteria: ACMG Guidelines, 2015. Collection method: clinical testing. Allele origin: germline.
Comment: This missense variant replaces valine with leucine at codon 1116 of the BRCA1 protein. Computational prediction suggests that this variant may not impact protein structure and function (internally defined REVEL score threshold <= 0.5, PMID: 27666373). To our knowledge, functional studies have not been reported for this variant. This variant has been reported in an individual affected with breast cancer (PMID: 15726418). This variant has been identified in 6/281642 chromosomes in the general population by the Genome Aggregation Database (gnomAD). The available evidence is insufficient to determine the role of this variant in disease conclusively. Therefore, this variant is classified as a Variant of Uncertain Significance.

Ambry Genetics
Classification: Likely benign for Hereditary cancer-predisposing syndrome. Last evaluated: 2019-06-17. Review status: criteria provided, single submitter. Criteria: Ambry Variant Classification Scheme 2023. Collection method: clinical testing. Allele origin: germline.

Women's Health and Genetics/Laboratory Corporation of America, LabCorp
Classification: Uncertain significance. Last evaluated: 2017-11-16. Review status: criteria provided, single submitter. Criteria: LabCorp Variant Classification Summary - May 2015. Collection method: clinical testing. Allele origin: germline.
Comment: Variant summary: The BRCA1 c.3346G>C (p.Val1116Leu) variant involves the alteration of a non-conserved nucleotide. 4/4 in silico tools predict a benign outcome for this variant (SNPsandGO not captured due to low reliability index). This variant was found in 6/276252 control chromosomes at a frequency of 0.0000217, which does not exceed the estimated maximal expected allele frequency of a pathogenic BRCA1 variant (0.0010005). The variant has been reported in affected individuals in the literature (Judkins 2005, McKean-Cowdin 2005), but without strong evidence for causality. In addition, multiple clinical diagnostic laboratories/reputable databases classified this variant as uncertain significance. Taken together, this variant is classified as VUS.

Breast Cancer Information Core (BIC) (BRCA1)
Classification: Uncertain significance for Breast-ovarian cancer, familial 1. Last evaluated: 2002-06-20. Review status: no assertion criteria provided. Collection method: clinical testing. Allele origin: germline. Affected: yes. Observed: 1 variant allele. Not counted in ClinVar's aggregate classification.

Literature cited by the submitters: PubMed 15726418 (cited by 6 submitters); PubMed 25085752 (cited by Myriad Genetics, Inc.); PubMed 31911673 (cited by Quest Diagnostics Nichols Institute San Juan Capistrano); PubMed 16267036 (cited by Quest Diagnostics Nichols Institute San Juan Capistrano and Women's Health and Genetics/Laboratory Corporation of America, LabCorp); PubMed 15385441 (cited by Quest Diagnostics Nichols Institute San Juan Capistrano and Women's Health and Genetics/Laboratory Corporation of America, LabCorp).